The following is an entry in ClinVar:

NM_000051.4(ATM):c.8129del (p.Lys2710fs)

Genes: ATM (ATM serine/threonine kinase; plus strand), C11orf65 (chromosome 11 open reading frame 65; minus strand). Cytogenetic location: 11q22.3.
Variant type: Deletion.
Coding change: c.8129del on transcript NM_000051.4 (MANE Select); coding-DNA position 8129, one base deleted (A; older notation c.8129delA).
Protein change: p.Lys2710fs; shifts the reading frame from lysine 2710.
Molecular consequence: frameshift variant. On other transcripts: intron variant (2).
Genome position (GRCh38, 1-based): chr11:108,335,087, A deleted; the last of 2 consecutive A bases (chr11:108,335,086-108,335,087); deleting either gives the same sequence. VCF-style (leftmost placement, unchanged base first): chr11-108335085-CA-C. GRCh37 (hg19) VCF-style: chr11-108205812-CA-C.
Other names: c.641-26015del (NM_001330368.2); c.*38+134del (NM_001351110.2); c.8129del, p.Lys2710fs (NM_001351834.2); short protein forms K2710fs.
Identifiers: ClinVar variation 3904089 (VCV003904089.1).
Genomic context (GRCh38, chr11:108,335,085, plus strand): 5'-ATTTCGCTTAGCAGGAGGTGTAAATTTACCAAAAATAATAGATTGTGTAGGTTCCGATGG[CA>C]AGGAGAGGAGACAGCTTGTTAAGGTGAGCCTTCCCTTCTCTGGCTTAGCCCTTAGAGTTT-3'

ClinVar aggregate classification (germline): Pathogenic (1 of 4 stars; one submission).

Conditions:
Familial cancer of breast. Also called: Hereditary breast cancer; BREAST CANCER, FAMILIAL; hereditary breast carcinoma. Identifiers: Orphanet 227535, MedGen C0346153, MONDO:0016419, OMIM 114480. Disease mechanism: loss of function.

Submission:

Myriad Genetics, Inc.
Classification: Pathogenic for Familial cancer of breast. Last evaluated: 2025-03-27. Review status: criteria provided, single submitter. Criteria: Myriad Autosomal Dominant, Autosomal Recessive and X-Linked Classification Criteria (2023). Collection method: clinical testing. Allele origin: unknown.
Comment: This variant is considered pathogenic. This variant creates a frameshift predicted to result in premature protein truncation.